The following is an entry in ClinVar:

ClinVar aggregate classification (germline): Likely benign. Review status: criteria provided, multiple submitters, no conflicts (2 of 4 stars). 4 submissions from 4 submitters: Likely benign (4). Last evaluated 2025-11-05.

Conditions:
Ataxia-telangiectasia syndrome (AT). Also called: ATAXIA-TELANGIECTASIA, COMPLEMENTATION GROUP A; ATAXIA-TELANGIECTASIA, FRESNO VARIANT; Ataxia-telangiectasia; Ataxia-telangiectasia, complementation group D; AT, COMPLEMENTATION GROUP C; Ataxia-telangiectasia, complementation group E. Identifiers: Orphanet 100, MedGen C0004135, MONDO:0008840, OMIM 208900.
Hereditary cancer-predisposing syndrome. Also called: Neoplastic Syndromes, Hereditary; Tumor predisposition; Hereditary Cancer Syndrome; Hereditary neoplastic syndrome. Identifiers: Orphanet 140162, MedGen C0027672, MeSH D009386, MONDO:0015356.
Familial cancer of breast. Also called: hereditary breast carcinoma; BREAST CANCER, FAMILIAL; Hereditary breast cancer. Identifiers: Orphanet 227535, MedGen C0346153, MONDO:0016419, OMIM 114480. Disease mechanism: loss of function.

Allele frequency attached by ClinVar (database versions not stated): gnomAD exomes below 0.00001.
gnomAD v4.1: 3 of 1,613,524 alleles (0.00019%); highest among the groups gnomAD compares: African/African-American, 0.0013%; no homozygotes.

Submissions (4):

Labcorp Genetics (formerly Invitae), Labcorp
Classification: Likely benign for Ataxia-telangiectasia syndrome. Last evaluated: 2025-11-05. Review status: criteria provided, single submitter. Criteria: Invitae Variant Classification Sherloc (09022015). Collection method: clinical testing. Allele origin: germline.

Myriad Genetics, Inc.
Classification: Likely benign for Familial cancer of breast. Last evaluated: 2024-05-09. Review status: criteria provided, single submitter. Criteria: Myriad Autosomal Dominant, Autosomal Recessive and X-Linked Classification Criteria (2023). Collection method: clinical testing. Allele origin: unknown.
Comment: This variant is considered likely benign. This variant is intronic and is not expected to impact mRNA splicing.

Color Diagnostics, LLC DBA Color Health
Classification: Likely benign for Hereditary cancer-predisposing syndrome. Last evaluated: 2018-03-24. Review status: criteria provided, single submitter. Criteria: ACMG Guidelines, 2015. Collection method: clinical testing. Allele origin: germline.

GeneDx
Classification: Likely benign. Last evaluated: 2018-03-13. Review status: criteria provided, single submitter. Criteria: GeneDx Variant Classification (06012015). Collection method: clinical testing. Allele origin: germline. Affected: yes.
Comment: This variant is considered likely benign or benign based on one or more of the following criteria: it is a conservative change, it occurs at a poorly conserved position in the protein, it is predicted to be benign by multiple in silico algorithms, and/or has population frequency not consistent with disease.

NM_000051.4(ATM):c.2467-8C>T

Gene: ATM (ATM serine/threonine kinase; plus strand). Cytogenetic location: 11q22.3.
Variant type: single nucleotide variant.
Coding change: c.2467-8C>T on transcript NM_000051.4 (MANE Select); 8 bases into the intron before coding-DNA position 2467, C replaced by T.
Molecular consequence: intron variant.
Genome position (GRCh38, 1-based): chr11:108,267,163, C>T. VCF-style: chr11-108267163-C-T. GRCh37 (hg19) VCF-style: chr11-108137890-C-T.
Other names: c.2467-8C>T (NM_001351834.2).
Identifiers: ClinVar variation 516049 (VCV000516049.15), dbSNP rs1425701157, ClinGen allele CA601697889.